The following is an entry in ClinVar:

NM_015910.7(WDPCP):c.1198del (p.Glu400fs)

Gene: WDPCP (WD repeat containing planar cell polarity effector; minus strand). Cytogenetic location: 2p15.
Variant type: Deletion.
Coding change: c.1198del on transcript NM_015910.7 (MANE Select); coding-DNA position 1198, one base deleted (G; older notation c.1198delG).
Protein change: p.Glu400fs; shifts the reading frame from glutamic acid 400.
Molecular consequence: frameshift variant. On other transcripts: non-coding transcript variant (3).
Genome position (GRCh38, 1-based): chr2:63,404,285, C deleted on the plus strand (G on the coding strand, the reverse complement: WDPCP is on the minus strand); the first of 4 consecutive C bases (chr2:63,404,285-63,404,288); deleting any one gives the same sequence. VCF-style (leftmost placement, unchanged base first): chr2-63404284-TC-T. GRCh37 (hg19) VCF-style: chr2-63631419-TC-T.
Other names: c.721del, p.Glu241fs (NM_001042692.3); c.1126del, p.Glu376fs (NM_001354044.2); c.1198del, p.Glu400fs (NM_001354045.2); short protein forms E241fs, E376fs, E400fs.
Identifiers: ClinVar variation 2118198 (VCV002118198.4), dbSNP rs2466511500, ClinGen allele CA2580067769.

ClinVar aggregate classification (germline): Pathogenic (1 of 4 stars; one submission).

Conditions:
Bardet-Biedl syndrome (BBS). Identifiers: Orphanet 110, MedGen C0752166, MONDO:0015229.

Submission:

Labcorp Genetics (formerly Invitae), Labcorp
Classification: Pathogenic for Bardet-Biedl syndrome. Last evaluated: 2022-03-27. Review status: criteria provided, single submitter. Criteria: Invitae Variant Classification Sherloc (09022015). Collection method: clinical testing. Allele origin: germline.
Comment: For these reasons, this variant has been classified as Pathogenic. This variant has not been reported in the literature in individuals affected with WDPCP-related conditions. This variant is not present in population databases (gnomAD no frequency). This sequence change creates a premature translational stop signal (p.Glu400Serfs*45) in the WDPCP gene. It is expected to result in an absent or disrupted protein product. Loss-of-function variants in WDPCP are known to be pathogenic (PMID: 20671153, 25427950, 27158779).

Literature cited by the submitters: PubMed 20671153; PubMed 25427950; PubMed 27158779.